The following is an entry in ClinVar:

NM_006517.5(SLC16A2):c.430+5G>T

Gene: SLC16A2 (solute carrier family 16 member 2; plus strand). Cytogenetic location: Xq13.2.
Variant type: single nucleotide variant.
Coding change: c.430+5G>T on transcript NM_006517.5 (MANE Select); 5 bases into the intron after coding-DNA position 430, G replaced by T.
Molecular consequence: intron variant.
Genome position (GRCh38, 1-based): chrX:74,422,072, G>T. VCF-style: chrX-74422072-G-T. GRCh37 (hg19) VCF-style: chrX-73641907-G-T.
Identifiers: ClinVar variation 565361 (VCV000565361.6), dbSNP rs1569281220, ClinGen allele CA891843972.

ClinVar aggregate classification (germline): Uncertain significance (1 of 4 stars; one submission).

Conditions:
Spastic paraplegia. Identifiers: MedGen C0037772, HP:0001258.

Submission:

Labcorp Genetics (formerly Invitae), Labcorp
Classification: Uncertain significance for Spastic paraplegia. Last evaluated: 2025-10-17. Review status: criteria provided, single submitter. Criteria: Invitae Variant Classification Sherloc (09022015). Collection method: clinical testing. Allele origin: germline.
Comment: This sequence change falls in intron 1 of the SLC16A2 gene. It does not directly change the encoded amino acid sequence of the SLC16A2 protein. It affects a nucleotide within the consensus splice site. This variant is not present in population databases (gnomAD no frequency). This variant has not been reported in the literature in individuals affected with SLC16A2-related conditions. ClinVar contains an entry for this variant (Variation ID: 565361). Variants that disrupt the consensus splice site are a relatively common cause of aberrant splicing (PMID: 17576681, 9536098). Algorithms developed to predict the effect of sequence changes on RNA splicing suggest that this variant is not likely to affect RNA splicing. In summary, the available evidence is currently insufficient to determine the role of this variant in disease. Therefore, it has been classified as a Variant of Uncertain Significance.

Literature cited by the submitters: PubMed 17576681; PubMed 9536098.